The following is an entry in ClinVar:

ClinVar aggregate classification (germline): Benign. Review status: reviewed by expert panel (3 of 4 stars). 7 submissions from 7 submitters: Benign (1). 6 of the submissions do not count toward it. Last evaluated 2024-09-17.

Conditions:
Cardiovascular phenotype. Identifiers: MedGen CN230736.
RASopathy. Also called: rasopathies; Noonan spectrum disorder. Identifiers: Orphanet 536391, MedGen C5555857, MONDO:0021060.

Allele frequency attached by ClinVar (database versions not stated): 1000 Genomes Project 30x 0.00047; 1000 Genomes Project 0.00060; ExAC 0.00083; ESP Exome Variant Server 0.00123; gnomAD exomes 0.00124; gnomAD 0.00135 and 0.00136; TOPMed 0.00138.
gnomAD v4.1: 2,941 of 1,548,978 alleles (0.19%); highest among the groups gnomAD compares: Non-Finnish European, 0.24%; 5 homozygotes.

Submissions (7):

ClinGen RASopathy Variant Curation Expert Panel
Classification: Benign for RASopathy. Last evaluated: 2024-09-17. Review status: reviewed by expert panel. Criteria: ClinGen RASopathy ACMG Specifications PPP1CB V1.1.0. Collection method: curation. Allele origin: germline. Inheritance: Autosomal dominant inheritance.
Comment: The c.27C>T (p.Asp9=) variant in PPP1CB is a synonymous (silent) variant that is not predicted by SpliceAI to impact splicing. In addition, it occurs at a nucleotide that is not conserved as shown by UCSC Genome Browser (BP4, BP7). The highest population minor allele frequency in gnomAD v4 is 0.002280 (2698/1145756 alleles) in the European (non-Finnish) population, which is higher than the ClinGen RASopathy VCEP threshold (>0.0005) for BA1, and therefore meets this criterion (BA1). In summary, this variant meets the criteria to be classified as benign for autosomal dominant RASopathy based on the ACMG/AMP criteria applied, as specified by the ClinGen RASopathy VCEP: BA1, BP4, BP7. (RASopathy VCEP specifications version 1.1; 9/17/24)

CeGaT Center for Human Genetics Tuebingen
Classification: Likely benign. Last evaluated: 2026-09-01. Review status: criteria provided, single submitter. Criteria: CeGaT Center For Human Genetics Tuebingen Variant Classification Criteria Version 2. Collection method: clinical testing. Allele origin: germline. Affected: yes. Observed: 14 variant alleles. Not counted in ClinVar's aggregate classification.
Comment: PPP1CB: BP4, BP7, BS1

Labcorp Genetics (formerly Invitae), Labcorp
Classification: Likely benign. Last evaluated: 2026-01-28. Review status: criteria provided, single submitter. Criteria: Invitae Variant Classification Sherloc (09022015). Collection method: clinical testing. Allele origin: germline. Not counted in ClinVar's aggregate classification.

Blueprint Genetics
Classification: Likely benign. Last evaluated: 2024-11-07. Review status: criteria provided, single submitter. Criteria: ACMG Guidelines, 2015. Collection method: clinical testing. Allele origin: germline. Not counted in ClinVar's aggregate classification.

Women's Health and Genetics/Laboratory Corporation of America, LabCorp
Classification: Benign. Last evaluated: 2023-11-20. Review status: criteria provided, single submitter. Criteria: LabCorp Variant Classification Summary - May 2015. Collection method: clinical testing. Allele origin: germline. Not counted in ClinVar's aggregate classification.

GeneDx
Classification: Benign. Last evaluated: 2020-12-22. Review status: criteria provided, single submitter. Criteria: GeneDx Variant Classification Process June 2021. Collection method: clinical testing. Allele origin: germline. Affected: yes. Not counted in ClinVar's aggregate classification.

Ambry Genetics
Classification: Benign for Cardiovascular phenotype. Last evaluated: 2020-07-09. Review status: criteria provided, single submitter. Criteria: Ambry Variant Classification Scheme 2023. Collection method: clinical testing. Allele origin: germline. Not counted in ClinVar's aggregate classification.

NM_002709.3(PPP1CB):c.27C>T (p.Asp9=)

Gene: PPP1CB (protein phosphatase 1 catalytic subunit beta; plus strand). Cytogenetic location: 2p23.2.
Variant type: single nucleotide variant.
Coding change: c.27C>T on transcript NM_002709.3 (MANE Select); coding-DNA position 27, C replaced by T.
Protein change: p.Asp9=; no amino-acid change (aspartic acid 9 retained).
Molecular consequence: synonymous variant.
Genome position (GRCh38, 1-based): chr2:28,752,151, C>T. VCF-style: chr2-28752151-C-T. GRCh37 (hg19) VCF-style: chr2-28975017-C-T.
Other names: NM_002709.3(PPP1CB):c.27C>T; p.Asp9=; c.27C>T, p.Asp9= (NM_206876.2).
Identifiers: ClinVar variation 774811 (VCV000774811.39), dbSNP rs141050112, ClinGen allele CA1589147.